The following is an entry in ClinVar:

ClinVar aggregate classification (germline): Conflicting classifications of pathogenicity. Review status: criteria provided, conflicting classifications (1 of 4 stars). 7 submissions from 7 submitters: Uncertain significance (5); Likely benign (2). Last evaluated 2026-04-22.

Conditions:
PLEC-related disorder. Also called: PLEC-related disorders; PLEC-related condition.
Epidermolysis bullosa simplex with nail dystrophy (EBS5D). Identifiers: MedGen C4225309, MONDO:0014661, OMIM 616487.
Autosomal recessive limb-girdle muscular dystrophy type 2Q (LGMDR17). Also called: MUSCULAR DYSTROPHY, LIMB-GIRDLE, AUTOSOMAL RECESSIVE 17. Identifiers: Orphanet 254361, MedGen C3150989, MONDO:0013390, OMIM 613723.
Epidermolysis bullosa simplex 5C, with pyloric atresia (EBS5C). Also called: PLEC-Related Epidermolysis Bullosa with Pyloric Atresia; Epidermolysis bullosa simplex with pyloric atresia; PLEC1-Related Epidermolysis Bullosa with Pyloric Atresia. Identifiers: Orphanet 158684, MedGen C2677349, MONDO:0012807, OMIM 612138.
Epidermolysis bullosa simplex 5B, with muscular dystrophy (EBS5B). Also called: EPIDERMOLYSIS BULLOSA SIMPLEX AND LIMB-GIRDLE MUSCULAR DYSTROPHY; Epidermolysis bullosa simplex with muscular dystrophy. Identifiers: Orphanet 257, MedGen C2931072, MONDO:0009181, OMIM 226670.
Epidermolysis bullosa simplex, Ogna type (EBS5A). Also called: Pidermolysis bullosa simplex 5A, Ogna type; EPIDERMOLYSIS BULLOSA SIMPLEX 5A, OGNA TYPE. Identifiers: Orphanet 79401, MedGen C0432317, MONDO:0007555, OMIM 131950.
Inborn genetic diseases. Identifiers: MedGen C0950123, MeSH D030342.

Allele frequency attached by ClinVar (database versions not stated): 1000 Genomes Project 30x 0.00016; ExAC 0.00017; 1000 Genomes Project 0.00020; gnomAD exomes 0.00021 and 0.00046; TOPMed 0.00023; gnomAD 0.00025 and 0.00026; ESP Exome Variant Server 0.00047.
gnomAD v4.1: 700 of 1,613,056 alleles (0.043%); highest among the groups gnomAD compares: Non-Finnish European, 0.057%; 1 homozygote.

Submissions (7):

PreventionGenetics, part of Exact Sciences
Classification: Uncertain significance for PLEC-related condition. Last evaluated: 2026-04-22. Review status: criteria provided, single submitter. Criteria: ACMG Guidelines, 2015. Collection method: clinical testing. Allele origin: germline.
Comment: The PLEC c.8926C>T variant is predicted to result in the amino acid substitution p.Arg2976Trp. To our knowledge, this variant has not been reported in the literature. This variant is reported in 0.049% of alleles in individuals of European (Non-Finnish) descent in gnomAD. Although we suspect that this variant may be benign, at this time, the clinical significance of this variant is uncertain due to the absence of conclusive functional and genetic evidence.

Labcorp Genetics (formerly Invitae), Labcorp
Classification: Uncertain significance for Autosomal recessive limb-girdle muscular dystrophy type 2Q; Epidermolysis bullosa simplex, Ogna type; Epidermolysis bullosa simplex with nail dystrophy; Epidermolysis bullosa simplex 5C, with pyloric atresia; Epidermolysis bullosa simplex 5B, with muscular dystrophy. Last evaluated: 2025-11-26. Review status: criteria provided, single submitter. Criteria: Invitae Variant Classification Sherloc (09022015). Collection method: clinical testing. Allele origin: germline.
Comment: This sequence change replaces arginine, which is basic and polar, with tryptophan, which is neutral and slightly polar, at codon 2976 of the PLEC protein (p.Arg2976Trp). This variant is present in population databases (rs202241157, gnomAD 0.05%). This variant has not been reported in the literature in individuals affected with PLEC-related conditions. ClinVar contains an entry for this variant (Variation ID: 281265). An algorithm developed to predict the effect of missense changes on protein structure and function (PolyPhen-2) suggests that this variant is likely to be disruptive. In summary, the available evidence is currently insufficient to determine the role of this variant in disease. Therefore, it has been classified as a Variant of Uncertain Significance.

Blueprint Genetics
Classification: Likely benign. Last evaluated: 2024-09-30. Review status: criteria provided, single submitter. Criteria: ACMG Guidelines, 2015. Collection method: clinical testing. Allele origin: germline.

Revvity Omics, Revvity
Classification: Uncertain significance. Last evaluated: 2023-10-17. Review status: criteria provided, single submitter. Criteria: ACMG Guidelines, 2015. Collection method: clinical testing. Allele origin: germline.

Ambry Genetics
Classification: Uncertain significance for Inborn genetic diseases. Last evaluated: 2021-07-06. Review status: criteria provided, single submitter. Criteria: Ambry Variant Classification Scheme 2023. Collection method: clinical testing. Allele origin: germline.

Eurofins Ntd Llc (ga)
Classification: Uncertain significance. Last evaluated: 2018-08-10. Review status: criteria provided, single submitter. Criteria: EGL ClinVar v180209 classification definitions. Collection method: clinical testing. Allele origin: germline. Observed: 5 variant alleles, 5 heterozygotes.

GeneDx
Classification: Likely benign. Last evaluated: 2018-01-03. Review status: criteria provided, single submitter. Criteria: GeneDx Variant Classification (06012015). Collection method: clinical testing. Allele origin: germline. Affected: yes.
Comment: This variant is considered likely benign or benign based on one or more of the following criteria: it is a conservative change, it occurs at a poorly conserved position in the protein, it is predicted to be benign by multiple in silico algorithms, and/or has population frequency not consistent with disease.

NM_201384.3(PLEC):c.8845C>T (p.Arg2949Trp)

Gene: PLEC (plectin; minus strand). Cytogenetic location: 8q24.3.
Variant type: single nucleotide variant.
Coding change: c.8845C>T on transcript NM_201384.3 (MANE Select); coding-DNA position 8845, C replaced by T.
Protein change: p.Arg2949Trp; replaces arginine 2949 with tryptophan.
Molecular consequence: missense variant.
Genome position (GRCh38, 1-based): chr8:143,920,976, G>A on the plus strand (C>T on the coding strand, the complement: PLEC is on the minus strand). VCF-style: chr8-143920976-G-A. GRCh37 (hg19) VCF-style: chr8-144995144-G-A.
Other names: c.8926C>T, p.Arg2976Trp (NM_000445.5); c.8803C>T, p.Arg2935Trp (NM_201378.4); c.8779C>T, p.Arg2927Trp (NM_201379.3); c.9256C>T, p.Arg3086Trp (NM_201380.4); c.8749C>T, p.Arg2917Trp (NM_201381.3); c.8845C>T, p.Arg2949Trp (NM_201382.4); c.8857C>T, p.Arg2953Trp (NM_201383.3); short protein forms R2953W, R2917W, R2927W, R2976W, R2935W, R2949W, R3086W.
Identifiers: ClinVar variation 281265 (VCV000281265.18), dbSNP rs202241157, ClinGen allele CA4925162.
Genomic context (GRCh38, chr8:143,920,976, plus strand): 5'-TCTGCTCCTGCTCCTCCACCACCGTGATGATGATCTTGATGATCTTCTCCACTGTGATCC[G>A]GCCCGTGCGGAACTGCCGCAGCAGGTCCCGCCGCTGCTCTGCCGTGAAGTATTCCGAGTT-3'
Protein context (NP_958786.1, residues 2939-2959): RDLLRQFRTG[Arg2949Trp]ITVEKIIKII